The following is an entry in ClinVar:

NM_004364.5(CEBPA):c.585C>G (p.His195Gln)

Gene: CEBPA (CCAAT enhancer binding protein alpha; minus strand). Cytogenetic location: 19q13.11.
Variant type: single nucleotide variant.
Coding change: c.585C>G on transcript NM_004364.5 (MANE Select); coding-DNA position 585, C replaced by G.
Protein change: p.His195Gln; replaces histidine 195 with glutamine.
Molecular consequence: missense variant.
Genome position (GRCh38, 1-based): chr19:33,301,830, G>C on the plus strand (C>G on the coding strand, the complement: CEBPA is on the minus strand). VCF-style: chr19-33301830-G-C. GRCh37 (hg19) VCF-style: chr19-33792736-G-C.
Other names: c.228C>G, p.His76Gln (NM_001285829.2); c.690C>G, p.His230Gln (NM_001287424.2); c.543C>G, p.His181Gln (NM_001287435.2); short protein forms H195Q, H230Q, H76Q, H181Q.
Identifiers: ClinVar variation 1346377 (VCV001346377.8), dbSNP rs2145261171, ClinGen allele CA405274637.

ClinVar aggregate classification (germline): Uncertain significance (1 of 4 stars; one submission).

Conditions:
Acute myeloid leukemia (AML). Also called: Leukemia, acute myeloid, somatic; Leukemia, acute myelogenous, somatic; Acute myeloid leukemia, adult; AML adult; Acute non-lymphocytic leukemia; Acute granulocytic leukemia. Identifiers: Orphanet 519, MedGen C0023467, MeSH D015470, MONDO:0018874, OMIM 601626, HP:0004808. Disease mechanism: Constitutively activated FLT3.

Submission:

Labcorp Genetics (formerly Invitae), Labcorp
Classification: Uncertain significance for Acute myeloid leukemia. Last evaluated: 2020-11-11. Review status: criteria provided, single submitter. Criteria: Invitae Variant Classification Sherloc (09022015). Collection method: clinical testing. Allele origin: germline.
Comment: In summary, the available evidence is currently insufficient to determine the role of this variant in disease. Therefore, it has been classified as a Variant of Uncertain Significance. Algorithms developed to predict the effect of missense changes on protein structure and function are either unavailable or do not agree on the potential impact of this missense change (SIFT: "Deleterious"; PolyPhen-2: "Possibly Damaging"; Align-GVGD: "Class C0"). This variant has not been reported in the literature in individuals with CEBPA-related conditions. The frequency data for this variant in the population databases is considered unreliable, as metrics indicate insufficient coverage at this position in the ExAC database. This sequence change replaces histidine with glutamine at codon 195 of the CEBPA protein (p.His195Gln). The histidine residue is moderately conserved and there is a small physicochemical difference between histidine and glutamine.